The following is an entry in ClinVar:

ClinVar aggregate classification (germline): Likely benign. Review status: criteria provided, multiple submitters, no conflicts (2 of 4 stars). 3 submissions from 3 submitters: Likely benign (3). Last evaluated 2025-11-01.

Allele frequency attached by ClinVar (database versions not stated): gnomAD 0.00001; ExAC 0.00002; gnomAD exomes 0.00002 and 0.00003; TOPMed 0.00003.
gnomAD v4.1: 30 of 1,614,024 alleles (0.0019%); highest among the groups gnomAD compares: South Asian, 0.011%; no homozygotes.

Submissions (3):

CeGaT Center for Human Genetics Tuebingen
Classification: Likely benign. Last evaluated: 2025-11-01. Review status: criteria provided, single submitter. Criteria: CeGaT Center For Human Genetics Tuebingen Variant Classification Criteria Version 2. Collection method: clinical testing. Allele origin: germline. Affected: yes. Observed: 1 variant allele.
Comment: CNNM4: BP4, BP7

Labcorp Genetics (formerly Invitae), Labcorp
Classification: Likely benign. Last evaluated: 2025-05-28. Review status: criteria provided, single submitter. Criteria: Invitae Variant Classification Sherloc (09022015). Collection method: clinical testing. Allele origin: germline.

Blueprint Genetics
Classification: Likely benign. Last evaluated: 2023-03-22. Review status: criteria provided, single submitter. Criteria: ACMG Guidelines, 2015. Collection method: clinical testing. Allele origin: germline.

NM_020184.4(CNNM4):c.1494C>T (p.Asp498=)

Gene: CNNM4 (cyclin and CBS domain divalent metal cation transport mediator 4; plus strand). Cytogenetic location: 2q11.2.
Variant type: single nucleotide variant.
Coding change: c.1494C>T on transcript NM_020184.4 (MANE Select); coding-DNA position 1494, C replaced by T.
Protein change: p.Asp498=; no amino-acid change (aspartic acid 498 retained).
Molecular consequence: synonymous variant.
Genome position (GRCh38, 1-based): chr2:96,797,103, C>T. VCF-style: chr2-96797103-C-T. GRCh37 (hg19) VCF-style: chr2-97462840-C-T.
Identifiers: ClinVar variation 1135549 (VCV001135549.16), dbSNP rs776159012, ClinGen allele CA1783369.